The following is an entry in ClinVar:

ClinVar aggregate classification (germline): Benign. Review status: criteria provided, multiple submitters, no conflicts (2 of 4 stars). 12 submissions from 10 submitters: Benign (11). 1 of the submissions does not count toward it. Last evaluated 2026-02-04.

Conditions:
Autosomal dominant Robinow syndrome 1. Also called: Covesdem syndrome (formerly); Costovertebral segmentation defect with mesomelia (formerly); ROBINOW DWARFISM; WNT5A-Related Robinow Syndrome, Autosomal Dominant; ACRAL DYSOSTOSIS WITH FACIAL AND GENITAL ABNORMALITIES; FETAL FACE SYNDROME. Identifiers: Orphanet 3107, Orphanet 97360, MedGen C4551475, MONDO:0024455, OMIM 180700.
Autosomal recessive Robinow syndrome (RRS1). Also called: ROR2-Related Robinow Syndrome; COSTOVERTEBRAL SEGMENTATION DEFECT WITH MESOMELIA; COVESDEM SYNDROME; ROBINOW SYNDROME, AUTOSOMAL RECESSIVE 1. Identifiers: Orphanet 1507, Orphanet 97360, MedGen C5399974, MONDO:0009999, OMIM 268310.
Brachydactyly type B1 (BDB1). Identifiers: Orphanet 572385, Orphanet 93383, MedGen C1862112, MONDO:0007220, OMIM 113000.

Allele frequency attached by ClinVar (database versions not stated): gnomAD exomes 0.68362 and 0.71637; ESP Exome Variant Server 0.70074; ExAC 0.71031; gnomAD 0.71569 and 0.71630; TOPMed 0.72129; 1000 Genomes Project 30x 0.74578; 1000 Genomes Project 0.74800.
gnomAD v4.1: 1,106,698 of 1,611,526 alleles (69%); highest among the groups gnomAD compares: East Asian, 94%; 383,045 homozygotes.

Submissions (12):

Labcorp Genetics (formerly Invitae), Labcorp
Classification: Benign. Last evaluated: 2026-02-04. Review status: criteria provided, single submitter. Criteria: Invitae Variant Classification Sherloc (09022015). Collection method: clinical testing. Allele origin: germline.

Blueprint Genetics
Classification: Benign. Last evaluated: 2024-11-27. Review status: criteria provided, single submitter. Criteria: ACMG Guidelines, 2015. Collection method: clinical testing. Allele origin: germline.

Genome-Nilou Lab
Classification: Benign for Brachydactyly type B1. Last evaluated: 2021-11-07. Review status: criteria provided, single submitter. Criteria: ACMG Guidelines, 2015. Collection method: clinical testing. Allele origin: germline. Affected: no.

Genome-Nilou Lab
Classification: Benign for Autosomal recessive Robinow syndrome. Last evaluated: 2021-11-07. Review status: criteria provided, single submitter. Criteria: ACMG Guidelines, 2015. Collection method: clinical testing. Allele origin: germline. Affected: no.

Mendelics
Classification: Benign for Autosomal dominant Robinow syndrome 1. Last evaluated: 2019-05-28. Review status: criteria provided, single submitter. Criteria: Mendelics Assertion Criteria 2017. Collection method: clinical testing. Allele origin: unknown.

GeneDx
Classification: Benign. Last evaluated: 2018-11-09. Review status: criteria provided, single submitter. Criteria: GeneDx Variant Classification Process June 2021. Collection method: clinical testing. Allele origin: germline. Affected: yes.

Illumina Laboratory Services, Illumina
Classification: Benign for Brachydactyly type B1. Last evaluated: 2018-01-13. Review status: criteria provided, single submitter. Criteria: ICSL Variant Classification Criteria 13 December 2019. Collection method: clinical testing. Allele origin: germline.
Comment: This variant was observed in the ICSL laboratory as part of a predisposition screen in an ostensibly healthy population. It had not been previously curated by ICSL or reported in the Human Gene Mutation Database (HGMD: prior to June 1st, 2018), and was therefore a candidate for classification through an automated scoring system. Utilizing variant allele frequency, disease prevalence and penetrance estimates, and inheritance mode, an automated score was calculated to assess if this variant is too frequent to cause the disease. Based on the score and internal cut-off values, a variant classified as benign is not then subjected to further curation. The score for this variant resulted in a classification of benign for this disease.

Illumina Laboratory Services, Illumina
Classification: Benign for Autosomal recessive Robinow syndrome. Last evaluated: 2018-01-13. Review status: criteria provided, single submitter. Criteria: ICSL Variant Classification Criteria 13 December 2019. Collection method: clinical testing. Allele origin: germline.
Comment: the same text as in the submission from Illumina Laboratory Services, Illumina above.

Eurofins Ntd Llc (ga)
Classification: Benign. Last evaluated: 2016-04-13. Review status: criteria provided, single submitter. Criteria: EGL Classification Definitions 2015. Collection method: clinical testing. Allele origin: germline. Observed: 13 variant alleles, 6 heterozygotes, 7 homozygotes.

Breakthrough Genomics
Classification: Benign. Review status: criteria provided, single submitter. Criteria: ACMG Guidelines, 2015. Collection method: not provided. Allele origin: germline. Inheritance: Autosomal recessive inheritance. Affected: yes.

PreventionGenetics, part of Exact Sciences
Classification: Benign. Review status: criteria provided, single submitter. Criteria: ACMG Guidelines, 2015. Collection method: clinical testing. Allele origin: germline.

Genetic Services Laboratory, University of Chicago
Classification: Likely benign. Review status: no assertion criteria provided. Collection method: clinical testing. Allele origin: germline. Inheritance: Autosomal recessive inheritance. Not counted in ClinVar's aggregate classification.
Comment: Likely benign based on allele frequency in 1000 Genomes Project or ESP global frequency and its presence in a patient with a rare or unrelated disease phenotype. NOT Sanger confirmed

NM_004560.4(ROR2):c.2455G>A (p.Val819Ile)

Gene: ROR2 (ROR family WNT receptor 2; minus strand). Cytogenetic location: 9q22.31.
Variant type: single nucleotide variant.
Coding change: c.2455G>A on transcript NM_004560.4 (MANE Select); coding-DNA position 2455, G replaced by A.
Protein change: p.Val819Ile; replaces valine 819 with isoleucine.
Molecular consequence: missense variant.
Genome position (GRCh38, 1-based): chr9:91,724,039, C>T on the plus strand (G>A on the coding strand, the complement: ROR2 is on the minus strand). VCF-style: chr9-91724039-C-T. GRCh37 (hg19) VCF-style: chr9-94486321-C-T.
Other names: short protein forms V819I.
Identifiers: ClinVar variation 159818 (VCV000159818.30), dbSNP rs10761129, ClinGen allele CA173328.